The following is an entry in ClinVar:

ClinVar aggregate classification (germline): Uncertain significance. Review status: reviewed by expert panel (3 of 4 stars). 9 submissions from 9 submitters: Uncertain significance (1). 8 of the submissions do not count toward it. Last evaluated 2025-05-27.

Conditions:
ACADVL-related disorder. Also called: ACADVL-related condition.
Very long chain acyl-CoA dehydrogenase deficiency (ACADVLD). Also called: Very Long-Chain Acyl-Coenzyme A Dehydrogenase Deficiency; VLCAD Deficiency. Identifiers: Orphanet 26793, MedGen C3887523, MONDO:0008723, OMIM 201475.

Submissions (9):

ClinGen ACADVL Variant Curation Expert Panel, ClinGen
Classification: Uncertain significance for Very long chain acyl-CoA dehydrogenase deficiency. Last evaluated: 2025-05-27. Review status: reviewed by expert panel. Criteria: clingen acadvl acmg specifications v1. Collection method: curation. Allele origin: germline. Inheritance: Autosomal recessive inheritance.
Comment: The c.1613G>C variant in ACADVL is a missense variant predicted to cause substitution of arginine by Proline at amino acid 538 (p.Arg538Pro). This variant has been reported in multiple individuals in the literature, but this information is insufficient to use toward classification (PMID: 19327992, 27209629, 34194748). The highest population minor allele frequency in gnomAD v4.1 is 0.00001017 in the European (non-Finnish) population, which is lower than the ClinGen ACADVL Variant Curation Expert Panel threshold (<0.001) for PM2_Supporting, meeting this criterion (PM2_Supporting). The computational predictor REVEL gives a score of 0.540, which is neither above nor below the thresholds predicting a damaging or benign impact on ACADVL function. In summary, this variant meets the criteria to be classified as a variant of uncertain significance for autosomal recessive very long chain acyl-CoA dehydrogenase (VLCAD) deficiency based on the ACMG/AMP criteria applied, as specified by the ClinGen ACADVL Variant Curation Expert Panel: PM2_supporting, (ACADVL VCEP specifications version 2; approved May 5, 2025).

Labcorp Genetics (formerly Invitae), Labcorp
Classification: Likely pathogenic for Very long chain acyl-CoA dehydrogenase deficiency. Last evaluated: 2025-12-10. Review status: criteria provided, single submitter. Criteria: Invitae Variant Classification Sherloc (09022015). Collection method: clinical testing. Allele origin: germline. Not counted in ClinVar's aggregate classification.
Comment: This sequence change replaces arginine, which is basic and polar, with proline, which is neutral and non-polar, at codon 538 of the ACADVL protein (p.Arg538Pro). This variant is present in population databases (rs201350598, gnomAD 0.0009%). This missense change has been observed in individual(s) with very long-chain acyl-CoA dehydrogenase deficiency (PMID: 19327992, 26385305, 27209629). ClinVar contains an entry for this variant (Variation ID: 235256). Invitae Evidence Modeling of protein sequence and biophysical properties (such as structural, functional, and spatial information, amino acid conservation, physicochemical variation, residue mobility, and thermodynamic stability) indicates that this missense variant is not expected to disrupt ACADVL protein function with a negative predictive value of 80%. In summary, the currently available evidence indicates that the variant is pathogenic, but additional data are needed to prove that conclusively. Therefore, this variant has been classified as Likely Pathogenic.

Women's Health and Genetics/Laboratory Corporation of America, LabCorp
Classification: Likely pathogenic for Very long chain acyl-CoA dehydrogenase deficiency. Last evaluated: 2025-09-11. Review status: criteria provided, single submitter. Criteria: LabCorp Variant Classification Summary - May 2015. Collection method: clinical testing. Allele origin: germline. Not counted in ClinVar's aggregate classification.
Comment: Variant summary: ACADVL c.1613G>C (p.Arg538Pro) results in a non-conservative amino acid change located in the ACAD9/ACADV-like, C-terminal domain (IPR049448) of the encoded protein sequence. Algorithms developed to predict the effect of missense changes on protein structure and function are either unavailable or do not agree on the potential impact of this missense change. The variant allele was found at a frequency of 8e-06 in 250696 control chromosomes. c.1613G>C has been observed in compound heterozygous individuals affected with Very Long Chain Acyl-CoA Dehydrogenase Deficiency (example: Laforet_2009, Pena_2016, Verma_2024). These data indicate that the variant may be associated with disease. To our knowledge, no experimental evidence demonstrating an impact on protein function has been reported. The following publications have been ascertained in the context of this evaluation (PMID: 32778825, 19327992, 26385305, 27209629, 37688338). ClinVar contains an entry for this variant (Variation ID: 235256). Based on the evidence outlined above, the variant was classified as likely pathogenic.

PreventionGenetics, part of Exact Sciences
Classification: Uncertain significance for ACADVL-related condition. Last evaluated: 2024-10-07. Review status: criteria provided, single submitter. Criteria: ACMG Guidelines, 2015. Collection method: clinical testing. Allele origin: germline. Not counted in ClinVar's aggregate classification.
Comment: The ACADVL c.1613G>C variant is predicted to result in the amino acid substitution p.Arg538Pro. This variant has been reported, along with a second ACADVL variant, in a patient with suspected very long chain acyl-CoA dehydrogenase deficiency (VLCADD; Laforêt et al 2009. PubMed ID: 19327992). This variant is reported in 0.00088% of alleles in individuals of European (Non-Finnish) descent in gnomAD. At this time, the clinical significance of this variant is uncertain due to the absence of conclusive functional and genetic evidence.

ARUP Laboratories, Molecular Genetics and Genomics, ARUP Laboratories
Classification: Uncertain significance for Very long chain acyl-CoA dehydrogenase deficiency. Last evaluated: 2021-05-11. Review status: criteria provided, single submitter. Criteria: ARUP Molecular Germline Variant Investigation Process 2021. Collection method: clinical testing. Allele origin: germline. Not counted in ClinVar's aggregate classification.
Comment: The ACADVL c.1613G>C; p.Arg538Pro variant (rs201350598) is reported in the literature in at least one individual affected with very long-chain acyl-coenzyme A dehydrogenase (VLCAD) deficiency (Laforet 2009). This variant is also reported in ClinVar (Variation ID: 235256), and is only observed on two alleles in the Genome Aggregation Database, indicating it is not a common polymorphism. The arginine at codon 538 is weakly conserved, and computational analyses are uncertain whether this variant is neutral or deleterious (REVEL: 0.540). Due to the lack of clinical and functional data, the significance of the p.Arg538Pro variant is uncertain at this time. References: Laforet P et al. Diagnostic assessment and long-term follow-up of 13 patients with Very Long-Chain Acyl-Coenzyme A dehydrogenase (VLCAD) deficiency. Neuromuscul Disord. 2009 May;19(5):324-9. PMID: 19327992.

GeneDx
Classification: Uncertain significance. Last evaluated: 2020-09-24. Review status: criteria provided, single submitter. Criteria: GeneDx Variant Classification Process June 2021. Collection method: clinical testing. Allele origin: germline. Affected: yes. Not counted in ClinVar's aggregate classification.
Comment: Not observed at a significant frequency in large population cohorts (Lek et al., 2016); In silico analysis supports that this missense variant does not alter protein structure/function; This variant is associated with the following publications: (PMID: 19327992, 27209629)

Wong Mito Lab, Molecular and Human Genetics, Baylor College of Medicine
Classification: Pathogenic for Very long chain acyl-CoA dehydrogenase deficiency. Last evaluated: 2019-11-01. Review status: criteria provided, single submitter. Criteria: ACMG Guidelines, 2015. Collection method: clinical testing. Allele origin: germline. Not counted in ClinVar's aggregate classification.
Comment: The NM_000018.3:c.1613G>C (NP_000009.1:p.Arg538Pro) [GRCH38: NC_000017.11:g.7224487G>C] variant in ACADVL gene is interpretated to be Pathogenic based on ACMG guidelines (PMID: 25741868). This variant has been reported in PMID: 19327992. This variant meets the following evidence codes reported in the ACMG guidelines: PS1, PS3

Center for Pediatric Genomic Medicine, Children's Mercy Hospital and Clinics
Classification: Uncertain significance. Last evaluated: 2015-01-30. Review status: criteria provided, single submitter. Criteria: ACMG Guidelines, 2015. Collection method: clinical testing. Allele origin: germline. Not counted in ClinVar's aggregate classification.

Natera, Inc.
Classification: Uncertain significance for Very long chain acyl-CoA dehydrogenase deficiency. Last evaluated: 2020-08-18. Review status: no assertion criteria provided. Collection method: clinical testing. Allele origin: germline. Not counted in ClinVar's aggregate classification.

Literature cited by the submitters: PubMed 19327992 (cited by 3 submitters); PubMed 26385305 (cited by Labcorp Genetics (formerly Invitae), Labcorp and Women's Health and Genetics/Laboratory Corporation of America, LabCorp); PubMed 27209629 (cited by Labcorp Genetics (formerly Invitae), Labcorp and Women's Health and Genetics/Laboratory Corporation of America, LabCorp); PubMed 32778825 (cited by Women's Health and Genetics/Laboratory Corporation of America, LabCorp); PubMed 37688338 (cited by Women's Health and Genetics/Laboratory Corporation of America, LabCorp).

NM_000018.4(ACADVL):c.1613G>C (p.Arg538Pro)

Gene: ACADVL (acyl-CoA dehydrogenase very long chain; plus strand). Cytogenetic location: 17p13.1.
Variant type: single nucleotide variant.
Coding change: c.1613G>C on transcript NM_000018.4 (MANE Select); coding-DNA position 1613, G replaced by C.
Protein change: p.Arg538Pro; replaces arginine 538 with proline.
Molecular consequence: missense variant.
Genome position (GRCh38, 1-based): chr17:7,224,487, G>C. VCF-style: chr17-7224487-G-C. GRCh37 (hg19) VCF-style: chr17-7127806-G-C.
Other names: NM_000018.4(ACADVL):c.1613G>C; p.Arg538Pro; c.1547G>C, p.Arg516Pro (NM_001033859.3); c.1682G>C, p.Arg561Pro (NM_001270447.2); c.1385G>C, p.Arg462Pro (NM_001270448.2); short protein forms R538P, R516P, R561P, R462P.
Identifiers: ClinVar variation 235256 (VCV000235256.30), dbSNP rs201350598, ClinGen allele CA8338191.